The following is an entry in ClinVar:

ClinVar aggregate classification (germline): not provided (0 of 4 stars; one submission).

Allele frequency attached by ClinVar (database versions not stated): gnomAD 0.00080 and 0.00090; 1000 Genomes Project 0.01857.

Submission:

Human Evolutionary Genetics, Institut Pasteur
No classification provided. Review status: no classification provided. Collection method: not provided. Allele origin: germline.
ClinVar note: Converted during submission from untested to not provided.

NM_001394894.2(NLRP11):c.*85A>G

Gene: NLRP11 (NLR family pyrin domain containing 11; minus strand). Cytogenetic location: 19q13.42.
Variant type: single nucleotide variant.
Coding change: c.*85A>G on transcript NM_001394894.2 (MANE Select); 85 bases downstream of the stop codon, A replaced by G.
Molecular consequence: 3 prime UTR variant. On other transcripts: non-coding transcript variant (3).
Genome position (GRCh38, 1-based): chr19:55,785,540, T>C on the plus strand (A>G on the coding strand, the complement: NLRP11 is on the minus strand). VCF-style: chr19-55785540-T-C. GRCh37 (hg19) VCF-style: chr19-56296906-T-C.
Other names: c.*85A>G (NM_145007.5, NM_001297743.3, NM_001385451.2 and 1 more transcripts).
Identifiers: ClinVar variation 103264 (VCV000103264.3), dbSNP rs199475863, ClinGen allele CA230339.
Genomic context (GRCh38, chr19:55,785,540, plus strand): 5'-GACTGGATCAAGGTCACACACACACACACACACACACACACACACACACACACACACACA[T>C]CAAATAGGAAAATTATAGTCCTAATTCTCTTGCATCCCAGTCACGGTAGTAATTTATAAT-3'